The following is an entry in ClinVar:

ClinVar aggregate classification (germline): Uncertain significance. Review status: criteria provided, multiple submitters, no conflicts (2 of 4 stars). 7 submissions from 7 submitters: Uncertain significance (5). 2 of the submissions do not count toward it. Last evaluated 2026-01-05.

Conditions:
Hereditary cancer-predisposing syndrome. Also called: Neoplastic Syndromes, Hereditary; Hereditary Cancer Syndrome; Tumor predisposition; Hereditary neoplastic syndrome. Identifiers: Orphanet 140162, MedGen C0027672, MeSH D009386, MONDO:0015356.
Familial cancer of breast. Also called: BREAST CANCER, FAMILIAL; hereditary breast carcinoma; Hereditary breast cancer. Identifiers: Orphanet 227535, MedGen C0346153, MONDO:0016419, OMIM 114480. Disease mechanism: loss of function.
Ataxia-telangiectasia syndrome (AT). Also called: Ataxia-telangiectasia, complementation group D; AT, COMPLEMENTATION GROUP C; Ataxia-telangiectasia; ATAXIA-TELANGIECTASIA, COMPLEMENTATION GROUP A; ATAXIA-TELANGIECTASIA, FRESNO VARIANT; Ataxia-telangiectasia, complementation group E. Identifiers: Orphanet 100, MedGen C0004135, MONDO:0008840, OMIM 208900.

Allele frequency attached by ClinVar (database versions not stated): ExAC 0.00001; TOPMed 0.00002; gnomAD exomes below 0.00001; gnomAD 0.00001.
gnomAD v4.1: 7 of 1,614,064 alleles (0.00043%); highest among the groups gnomAD compares: African/African-American, 0.0027%; no homozygotes.

Submissions (7):

Labcorp Genetics (formerly Invitae), Labcorp
Classification: Uncertain significance for Ataxia-telangiectasia syndrome. Last evaluated: 2026-01-05. Review status: criteria provided, single submitter. Criteria: Invitae Variant Classification Sherloc (09022015). Collection method: clinical testing. Allele origin: germline.
Comment: This sequence change replaces arginine, which is basic and polar, with glutamine, which is neutral and polar, at codon 2993 of the ATM protein (p.Arg2993Gln). This variant is present in population databases (rs587778081, gnomAD 0.007%). This variant has not been reported in the literature in individuals affected with ATM-related conditions. ClinVar contains an entry for this variant (Variation ID: 133642). Invitae Evidence Modeling of protein sequence and biophysical properties (such as structural, functional, and spatial information, amino acid conservation, physicochemical variation, residue mobility, and thermodynamic stability) indicates that this missense variant is not expected to disrupt ATM protein function with a negative predictive value of 95%. In summary, the available evidence is currently insufficient to determine the role of this variant in disease. Therefore, it has been classified as a Variant of Uncertain Significance.

Quest Diagnostics Nichols Institute San Juan Capistrano
Classification: Uncertain significance. Last evaluated: 2025-11-05. Review status: criteria provided, single submitter. Criteria: Quest Diagnostics criteria. Collection method: clinical testing. Allele origin: unknown.

Ambry Genetics
Classification: Uncertain significance for Hereditary cancer-predisposing syndrome. Last evaluated: 2025-07-11. Review status: criteria provided, single submitter. Criteria: Ambry Variant Classification Scheme 2023. Collection method: clinical testing. Allele origin: germline.
Comment: The p.R2993Q variant (also known as c.8978G>A), located in coding exon 61 of the ATM gene, results from a G to A substitution at nucleotide position 8978. The arginine at codon 2993 is replaced by glutamine, an amino acid with highly similar properties. This amino acid position is not well conserved in available vertebrate species and glutamine is the reference amino acid in multiple species. In addition, this alteration is predicted to be tolerated by in silico analysis. Since supporting evidence is limited at this time, the clinical significance of this alteration remains unclear.

Baylor Genetics
Classification: Uncertain significance for Familial cancer of breast. Last evaluated: 2023-12-28. Review status: criteria provided, single submitter. Criteria: ACMG Guidelines, 2015. Collection method: clinical testing. Allele origin: unknown.

Color Diagnostics, LLC DBA Color Health
Classification: Uncertain significance for Hereditary cancer-predisposing syndrome. Last evaluated: 2020-12-15. Review status: criteria provided, single submitter. Criteria: ACMG Guidelines, 2015. Collection method: clinical testing. Allele origin: germline.
Comment: This missense variant replaces arginine with glutamine at codon 2993 of the ATM protein. Computational prediction suggests that this variant may not impact protein structure and function (internally defined REVEL score threshold <= 0.5, PMID: 27666373). To our knowledge, functional studies have not been reported for this variant. This variant has not been reported in individuals affected with hereditary cancer in the literature. This variant has been identified in 1/251402 chromosomes in the general population by the Genome Aggregation Database (gnomAD). The available evidence is insufficient to determine the role of this variant in disease conclusively. Therefore, this variant is classified as a Variant of Uncertain Significance.

Natera, Inc.
Classification: Uncertain significance for Ataxia-telangiectasia. Last evaluated: 2020-09-16. Review status: no assertion criteria provided. Collection method: clinical testing. Allele origin: germline. Not counted in ClinVar's aggregate classification.

ITMI
No classification provided. Condition: AllHighlyPenetrant. Last evaluated: 2013-09-19. Review status: no classification provided. Collection method: reference population. Allele origin: germline. Not counted in ClinVar's aggregate classification.
Comment: Please see associated publication for description of ethnicities

Literature cited by the submitters: PubMed 24728327 (cited by ITMI).

NM_000051.4(ATM):c.8978G>A (p.Arg2993Gln)

Genes: ATM (ATM serine/threonine kinase; plus strand), C11orf65 (chromosome 11 open reading frame 65; minus strand). Cytogenetic location: 11q22.3.
Variant type: single nucleotide variant.
Coding change: c.8978G>A on transcript NM_000051.4 (MANE Select); coding-DNA position 8978, G replaced by A.
Protein change: p.Arg2993Gln; replaces arginine 2993 with glutamine.
Molecular consequence: missense variant. On other transcripts: intron variant (2).
Genome position (GRCh38, 1-based): chr11:108,365,209, G>A. VCF-style: chr11-108365209-G-A. GRCh37 (hg19) VCF-style: chr11-108235936-G-A.
Other names: c.8978G>A, p.Arg2993Gln (NM_001351834.2); c.640+20711C>T (NM_001330368.2); c.694+20711C>T (NM_001351110.2); short protein forms R2993Q.
Identifiers: ClinVar variation 133642 (VCV000133642.21), dbSNP rs587778081, ClinGen allele CA157201.
Genomic context (GRCh38, chr11:108,365,209, plus strand): 5'-GGCCGGAAGATGAAACTGAGCTTCACCCTACTCTGAATGCAGATGACCAAGAATGCAAAC[G>A]AAATCTCAGGTGAGCAGTATTTTAAGAAGGTCCTGTTGTCAGTTTTTCAGATTTTCTTAT-3'
Protein context (NP_000042.3, residues 2983-3003): TLNADDQECK[Arg2993Gln]NLSDIDQSFN